The following is an entry in ClinVar:

ClinVar aggregate classification (germline): Uncertain significance. Review status: reviewed by expert panel (3 of 4 stars). 3 submissions from 3 submitters: Uncertain significance (1). 2 of the submissions do not count toward it. Last evaluated 2024-08-12.

Conditions:
Hereditary thrombocytopenia and hematologic cancer predisposition syndrome. Identifiers: Orphanet 71290, MedGen CN281654, MONDO:0011071.
Hereditary thrombocytopenia and hematological cancer predisposition syndrome associated with RUNX1. Also called: Familial Platelet Disorder with Propensity to Acute Myelogenous Leukemia; Familial thrombocytopenia with propensity to acute myelogenous leukemia; RUNX1 Familial Platelet Disorder with Associated Myeloid Malignancies; PLATELET DISORDER, ASPIRIN-LIKE. Identifiers: Orphanet 71290, MedGen C1832388, MeSH C563324, MONDO:0100083, OMIM 601399.

Submissions (3):

ClinGen Myeloid Malignancy Variant Curation Expert Panel
Classification: Uncertain significance for Hereditary thrombocytopenia and hematologic cancer predisposition syndrome. Last evaluated: 2024-08-12. Review status: reviewed by expert panel. Criteria: ClinGen MyeloMalig ACMG Specifications v2. Collection method: curation. Allele origin: germline. Inheritance: Autosomal dominant inheritance.
Comment: NM_001754.5(RUNX1):c.98-20_98-18del is an intronic variant which has a SpliceAI Δ score ≤ 0.20 (0.00 except for 0.05 at acceptor gain) (BP4). It is completely absent from all population databases (gnomAD v2.1.1, gnomAD v3.1.2, and ExAC v1.0) with at least 20x coverage for RUNX1 (PM2_Supporting). In summary, the clinical significance of this variant is uncertain. ACMG/AMP criteria applied, as specified by the Myeloid Malignancy Variant Curation Expert Panel for RUNX1: BP4, PM2_Supporting.

Labcorp Genetics (formerly Invitae), Labcorp
Classification: Likely benign for Hereditary thrombocytopenia and hematological cancer predisposition syndrome associated with RUNX1. Last evaluated: 2023-09-01. Review status: criteria provided, single submitter. Criteria: Invitae Variant Classification Sherloc (09022015). Collection method: clinical testing. Allele origin: germline. Not counted in ClinVar's aggregate classification.

Laboratory for Molecular Medicine, Mass General Brigham Personalized Medicine
Classification: Uncertain significance. Last evaluated: 2016-12-30. Review status: criteria provided, single submitter. Criteria: LMM Criteria. Collection method: clinical testing. Allele origin: germline. Observed: 1 variant allele. Not counted in ClinVar's aggregate classification.
Comment: The c.-4_-2del variant in RUNX1 (NM_001001890.2) has not been previously reporte d in individuals with familial platelet disorder with propensity to myeloid mali gnancy (FPD/AML) and is absent from large population studies. This variant occur s in the 5' untranslated region (5'UTR) of this transcript, and lies within the Kozak consensus sequence which is a cis-regulatory element important for the in tiation of protein translation. In addition, the nucleotide positions impacted b y this deletion are highly conserved in mammals and evolutionarily distant speci es. While this data suggests that the variant may not be tolerated, it is not pr edictive enough to determine its impact on protein translation or to assume path ogenicity. In summary, the clinical significance of the c.-4_-2del variant is un certain.

Literature cited by the submitters: PubMed 19830829 (cited by Laboratory for Molecular Medicine, Mass General Brigham Personalized Medicine); PubMed 26813945 (cited by Laboratory for Molecular Medicine, Mass General Brigham Personalized Medicine); PubMed 23926458 (cited by Laboratory for Molecular Medicine, Mass General Brigham Personalized Medicine).

NM_001754.5(RUNX1):c.98-20_98-18del

Gene: RUNX1 (RUNX family transcription factor 1; minus strand). Cytogenetic location: 21q22.12.
Variant type: Microsatellite.
Coding change: c.98-20_98-18del on transcript NM_001754.5 (MANE Select); 20 bases into the intron before coding-DNA position 98 through 18 bases into the intron before coding-DNA position 98, 3 bases deleted (TGT; older notation c.98-20_98-18delTGT).
Molecular consequence: intron variant. On other transcripts: 5 prime UTR variant (2).
Genome position (GRCh38, 1-based): chr21:34,887,114-34,887,116, ACA deleted on the plus strand (TGT on the coding strand, the reverse complement: RUNX1 is on the minus strand); deleting any 3 consecutive bases within chr21:34,887,114-34,887,120 gives the same sequence; the c. name uses the placement nearest the transcript's 3' end. VCF-style (leftmost placement, unchanged base first): chr21-34887113-CACA-C. GRCh37 (hg19) VCF-style: chr21-36259410-CACA-C.
Other names: c.-7TGT[1] (NM_001001890.3, NM_001122607.2).
Identifiers: ClinVar variation 517187 (VCV000517187.10), dbSNP rs1555899933, ClinGen allele CA658799414.
Genomic context (GRCh38, chr21:34,887,113, plus strand): 5'-CAGCGCGGTGGAAGGCGGCGTGAAGCGGCGGCTCGTGCTGGCATCTACGGGGATACGCAT[CACA>C]ACAAGCCGATTGAGTTAGGACCCTGCAAACAGCTCCTACCAGACGGCGACAGGGGCGCGG-3'